The following is an entry in ClinVar:

NM_001370259.2(MEN1):c.682_685dup (p.Arg229fs)

Gene: MEN1 (menin 1; minus strand). Cytogenetic location: 11q13.1.
Variant type: Duplication.
Coding change: c.682_685dup on transcript NM_001370259.2 (MANE Select); coding-DNA positions 682 to 685, 4 bases duplicated (ATGC; older notation c.682_685dupATGC).
Protein change: p.Arg229fs; shifts the reading frame from arginine 229.
Molecular consequence: frameshift variant.
Genome position (GRCh38, 1-based): chr11:64,807,650-64,807,653, GCAT duplicated on the plus strand (ATGC on the coding strand, the reverse complement: MEN1 is on the minus strand); duplicating any 4 consecutive bases within chr11:64,807,650-64,807,654 gives the same sequence; the c. name uses the placement nearest the transcript's 3' end. VCF-style (leftmost placement, unchanged base first): chr11-64807649-C-CGCAT. GRCh37 (hg19) VCF-style: chr11-64575121-C-CGCAT.
Other names: c.682_685dupATGC (NM_130799.2); c.697_700dup, p.Arg234fs (NM_000244.4, NM_130800.3, NM_130801.3 and 3 more transcripts); c.682_685dup, p.Arg229fs (NM_001370251.2, NM_001370260.2, NM_001370261.2 and 1 more transcripts); c.577_580dup, p.Arg194fs (NM_001370262.2, NM_001370263.2); short protein forms R194fs, R234fs, R229fs.
Identifiers: ClinVar variation 428061 (VCV000428061.17), dbSNP rs1114167519, ClinGen allele CA645369567.
Genomic context (GRCh38, chr11:64,807,649, plus strand): 5'-AGGTCAATGGAAGGGTTGATGGCACACACCATGAACGCCACCTCCATCTTGCGGTCACAG[C>CGCAT]GCATGTATGATCCTTTCAGGTACAGCCAGCTCTTAGGGGGGGATGAGATCATTATGTCTC-3'

ClinVar aggregate classification (germline): Pathogenic. Review status: criteria provided, multiple submitters, no conflicts (2 of 4 stars). 2 submissions from 2 submitters: Pathogenic (2). Last evaluated 2025-01-01.

Conditions:
Hereditary cancer-predisposing syndrome. Also called: Hereditary neoplastic syndrome; Tumor predisposition; Neoplastic Syndromes, Hereditary; Hereditary Cancer Syndrome. Identifiers: Orphanet 140162, MedGen C0027672, MeSH D009386, MONDO:0015356.
Multiple endocrine neoplasia, type 1 (MEN1). Also called: MEN I; Endocrine adenomatosis multiple; MEN 1; WERMER SYNDROME; MEA I. Identifiers: Orphanet 652, MedGen C0025267, MeSH D018761, MONDO:0007540, OMIM 131100.

Submissions (2):

Labcorp Genetics (formerly Invitae), Labcorp
Classification: Pathogenic for Multiple endocrine neoplasia, type 1. Last evaluated: 2025-01-01. Review status: criteria provided, single submitter. Criteria: Invitae Variant Classification Sherloc (09022015). Collection method: clinical testing. Allele origin: germline.
Comment: This sequence change creates a premature translational stop signal (p.Arg229Hisfs*4) in the MEN1 gene. It is expected to result in an absent or disrupted protein product. Loss-of-function variants in MEN1 are known to be pathogenic (PMID: 12112656, 17853334). This variant is not present in population databases (gnomAD no frequency). This variant has not been reported in the literature in individuals affected with MEN1-related conditions. ClinVar contains an entry for this variant (Variation ID: 428061). RNA analysis performed to evaluate the impact of this premature translational stop signal on mRNA splicing indicates it does not significantly alter splicing (internal data). For these reasons, this variant has been classified as Pathogenic.

Ambry Genetics
Classification: Pathogenic for Hereditary cancer-predisposing syndrome. Last evaluated: 2020-01-06. Review status: criteria provided, single submitter. Criteria: Ambry Variant Classification Scheme 2023. Collection method: clinical testing. Allele origin: germline.
Comment: The c.682_685dupATGC pathogenic mutation, located in coding exon 3 of the MEN1 gene, results from a duplication of ATGC at nucleotide position 682, causing a translational frameshift with a predicted alternate stop codon (p.R229Hfs*4). This alteration is expected to result in loss of function by premature protein truncation or nonsense-mediated mRNA decay. As such, this alteration is interpreted as a disease-causing mutation.

Literature cited by the submitters: PubMed 12112656 (cited by Labcorp Genetics (formerly Invitae), Labcorp); PubMed 17853334 (cited by Labcorp Genetics (formerly Invitae), Labcorp).